The following is an entry in ClinVar:

NM_172364.5(CACNA2D4):c.3190T>A (p.Phe1064Ile)

Gene: CACNA2D4 (calcium voltage-gated channel auxiliary subunit alpha2delta 4; minus strand). Cytogenetic location: 12p13.33.
Variant type: single nucleotide variant.
Coding change: c.3190T>A on transcript NM_172364.5 (MANE Select); coding-DNA position 3190, T replaced by A.
Protein change: p.Phe1064Ile; replaces phenylalanine 1064 with isoleucine.
Molecular consequence: missense variant.
Genome position (GRCh38, 1-based): chr12:1,795,704, A>T on the plus strand (T>A on the coding strand, the complement: CACNA2D4 is on the minus strand). VCF-style: chr12-1795704-A-T. GRCh37 (hg19) VCF-style: chr12-1904870-A-T.
Other names: short protein forms F1064I.
Identifiers: ClinVar variation 1510263 (VCV001510263.6), dbSNP rs992496482, ClinGen allele CA231519050.

ClinVar aggregate classification (germline): Uncertain significance (1 of 4 stars; one submission).

gnomAD v4.1: 1 of 1,613,158 alleles (0.000062%); highest among the groups gnomAD compares: Admixed American, 0.0017%; no homozygotes.

Submission:

Labcorp Genetics (formerly Invitae), Labcorp
Classification: Uncertain significance. Last evaluated: 2022-08-22. Review status: criteria provided, single submitter. Criteria: Invitae Variant Classification Sherloc (09022015). Collection method: clinical testing. Allele origin: germline.
Comment: In summary, the available evidence is currently insufficient to determine the role of this variant in disease. Therefore, it has been classified as a Variant of Uncertain Significance. Algorithms developed to predict the effect of missense changes on protein structure and function (SIFT, PolyPhen-2, Align-GVGD) all suggest that this variant is likely to be tolerated. ClinVar contains an entry for this variant (Variation ID: 1510263). This variant has not been reported in the literature in individuals affected with CACNA2D4-related conditions. This variant is not present in population databases (gnomAD no frequency). This sequence change replaces phenylalanine, which is neutral and non-polar, with isoleucine, which is neutral and non-polar, at codon 1064 of the CACNA2D4 protein (p.Phe1064Ile).